The following is an entry in ClinVar:

NM_005359.6(SMAD4):c.1295G>C (p.Ser432Thr)

Gene: SMAD4 (SMAD family member 4; plus strand). Cytogenetic location: 18q21.2.
Variant type: single nucleotide variant.
Coding change: c.1295G>C on transcript NM_005359.6 (MANE Select); coding-DNA position 1295, G replaced by C.
Protein change: p.Ser432Thr; replaces serine 432 with threonine.
Molecular consequence: missense variant. On other transcripts: non-coding transcript variant (1).
Genome position (GRCh38, 1-based): chr18:51,067,174, G>C. VCF-style: chr18-51067174-G-C. GRCh37 (hg19) VCF-style: chr18-48593544-G-C.
Other names: c.1295G>C, p.Ser432Thr (NM_001407041.1, NM_001407042.1); short protein forms S432T.
Identifiers: ClinVar variation 3070213 (VCV003070213.2), dbSNP rs770301659, ClinGen allele CA8966027.

ClinVar aggregate classification (germline): Uncertain significance. Review status: criteria provided, multiple submitters, no conflicts (2 of 4 stars). 2 submissions from 2 submitters: Uncertain significance (2). Last evaluated 2025-07-18.

Conditions:
Juvenile polyposis/hereditary hemorrhagic telangiectasia syndrome (JPHT). Also called: Juvenile Polyposis Syndrome / Hereditary Hemorrhagic Telangiectasia (JPS/HHT); JP/HHT SYNDROME; JUVENILE POLYPOSIS WITH HEREDITARY HEMORRHAGIC TELANGIECTASIA; POLYPOSIS, GENERALIZED JUVENILE, WITH PULMONARY ARTERIOVENOUS MALFORMATION; TELANGIECTASIA, HEREDITARY HEMORRHAGIC, WITH JUVENILE POLYPOSIS COLI. Identifiers: Orphanet 2929, MedGen C1832942, MONDO:0008278, OMIM 175050.
Familial thoracic aortic aneurysm and aortic dissection (TAAD). Also called: Thoracic aortic aneurysms and dissections. Identifiers: Orphanet 91387, MedGen C4707243, MONDO:0019625.
Hereditary cancer-predisposing syndrome. Also called: Neoplastic Syndromes, Hereditary; Tumor predisposition; Hereditary neoplastic syndrome; Hereditary Cancer Syndrome. Identifiers: Orphanet 140162, MedGen C0027672, MeSH D009386, MONDO:0015356.

Allele frequency attached by ClinVar (database versions not stated): gnomAD exomes below 0.00001; ExAC 0.00001.
gnomAD v4.1: 4 of 1,581,412 alleles (0.00025%); no homozygotes.

Submissions (2):

Ambry Genetics
Classification: Uncertain significance for Hereditary cancer-predisposing syndrome; Familial thoracic aortic aneurysm and aortic dissection. Last evaluated: 2025-07-18. Review status: criteria provided, single submitter. Criteria: Ambry Variant Classification Scheme 2023. Collection method: clinical testing. Allele origin: germline.
Comment: The p.S432T variant (also known as c.1295G>C), located in coding exon 9 of the SMAD4 gene, results from a G to C substitution at nucleotide position 1295. The serine at codon 432 is replaced by threonine, an amino acid with similar properties. This amino acid position is well conserved in available vertebrate species. In addition, the in silico prediction for this alteration is inconclusive. Based on the available evidence, the clinical significance of this variant remains unclear.

All of Us Research Program, National Institutes of Health
Classification: Uncertain significance for Juvenile polyposis/hereditary hemorrhagic telangiectasia syndrome. Last evaluated: 2023-04-03. Review status: criteria provided, single submitter. Criteria: ACMG Guidelines, 2015. Collection method: clinical testing. Allele origin: germline. Inheritance: Autosomal dominant inheritance. Observed: 1 variant allele, 1 heterozygote.
Comment: This missense variant replaces serine with threonine at codon 432 of the SMAD4 protein. Computational prediction is inconclusive regarding the impact of this variant on protein structure and function (internally defined REVEL score threshold 0.5 < inconclusive < 0.7, PMID: 27666373). To our knowledge, functional studies have not been reported for this variant. This variant has not been reported in individuals affected with SMAD4-related disorders in the literature. This variant has been identified in 1/251396 chromosomes in the general population by the Genome Aggregation Database (gnomAD). The available evidence is insufficient to determine the role of this variant in disease conclusively. Therefore, this variant is classified as a Variant of Uncertain Significance.

This study involves interpretation of variants in research participants for the purpose of population health screening. Participant phenotype was not available at the time of variant classification. Additional details can be found in publication PMID: 35346344, PMCID: PMC8962531